The following is an entry in ClinVar:

NM_014244.5(ADAMTS2):c.80_100dup (p.Leu27_Pro33dup)

Gene: ADAMTS2 (ADAM metallopeptidase with thrombospondin type 1 motif 2; minus strand). Cytogenetic location: 5q35.3.
Variant type: Duplication.
Coding change: c.80_100dup on transcript NM_014244.5 (MANE Select); coding-DNA positions 80 to 100, 21 bases duplicated (TCCTGCCGCCGCCGCCGCCGC).
Protein change: p.Leu27_Pro33dup.
Molecular consequence: inframe insertion.
Genome position (GRCh38, 1-based): chr5:179,345,229-179,345,249, GCGGCGGCGGCGGCGGCAGGA duplicated on the plus strand (TCCTGCCGCCGCCGCCGCCGC on the coding strand, the reverse complement: ADAMTS2 is on the minus strand); duplicating any 21 consecutive bases within chr5:179,345,229-179,345,260 gives the same sequence; the c. name uses the placement nearest the transcript's 3' end. VCF-style (leftmost placement, unchanged base first): chr5-179345228-G-GGCGGCGGCGGCGGCGGCAGGA. GRCh37 (hg19) VCF-style: chr5-178772229-G-GGCGGCGGCGGCGGCGGCAGGA.
Other names: p.Leu27_Pro33dup; c.80_100dupTCCTGCCGCCGCCGCCGCCGC (NM_014244.5, NM_014244.4); c.80_100dup, p.Leu27_Pro33dup (NM_021599.4).
Identifiers: ClinVar variation 420673 (VCV000420673.63), dbSNP rs1064794627, ClinGen allele CA16618191.

ClinVar aggregate classification (germline): Benign/Likely benign. Review status: criteria provided, multiple submitters, no conflicts (2 of 4 stars). 8 submissions from 8 submitters: Benign (2); Likely benign (5). 1 of the submissions does not count toward it. Last evaluated 2026-02-02.

Conditions:
Ehlers-Danlos syndrome (EDS). Identifiers: Orphanet 98249, MedGen C0013720, MONDO:0020066.
Ehlers-Danlos syndrome, dermatosparaxis type. Also called: EDS VIIC; Dermatosparaxis; Ehlers-Danlos syndrome, type VII, autosomal recessive. Identifiers: Orphanet 1901, MedGen C2700425, MONDO:0009161, OMIM 225410.

Submissions (8):

Labcorp Genetics (formerly Invitae), Labcorp
Classification: Benign for Ehlers-Danlos syndrome, dermatosparaxis type. Last evaluated: 2026-02-02. Review status: criteria provided, single submitter. Criteria: Invitae Variant Classification Sherloc (09022015). Collection method: clinical testing. Allele origin: germline.

Mayo Clinic Laboratories, Mayo Clinic
Classification: Likely benign. Last evaluated: 2025-02-24. Review status: criteria provided, single submitter. Criteria: ACMG Guidelines, 2015. Collection method: clinical testing. Allele origin: germline. Observed: 46 variant alleles.
Comment: BS1, BP3

Blueprint Genetics
Classification: Likely benign. Last evaluated: 2024-11-13. Review status: criteria provided, single submitter. Criteria: ACMG Guidelines, 2015. Collection method: clinical testing. Allele origin: germline.

GeneDx
Classification: Likely benign. Last evaluated: 2024-04-10. Review status: criteria provided, single submitter. Criteria: GeneDx Variant Classification Process June 2021. Collection method: clinical testing. Allele origin: germline. Affected: yes.
Comment: See Variant Classification Assertion Criteria.

CeGaT Center for Human Genetics Tuebingen
Classification: Likely benign. Last evaluated: 2023-01-01. Review status: criteria provided, single submitter. Criteria: CeGaT Center For Human Genetics Tuebingen Variant Classification Criteria Version 2. Collection method: clinical testing. Allele origin: germline. Affected: yes. Observed: 2 variant alleles.
Comment: ADAMTS2: BS2

Genome Diagnostics Laboratory, The Hospital for Sick Children
Classification: Likely benign for Ehlers-Danlos syndrome. Last evaluated: 2022-03-15. Review status: criteria provided, single submitter. Criteria: ACMG Guidelines, 2015. Collection method: clinical testing. Allele origin: germline.

Women's Health and Genetics/Laboratory Corporation of America, LabCorp
Classification: Benign. Last evaluated: 2019-04-10. Review status: criteria provided, single submitter. Criteria: LabCorp Variant Classification Summary - May 2015. Collection method: clinical testing. Allele origin: germline.
Comment: Variant summary: ADAMTS2 c.80_100dup21 (p.Leu27_Pro33dup) results in an in-frame duplication of 7 amino acids into the encoded protein. The variant allele was found at a frequency of 0.0044 in 27980 control chromosomes. The observed variant frequency is approximately 1.5 fold of the estimated maximal expected allele frequency for a pathogenic variant in ADAMTS2 causing Ehlers-Danlos Syndrome, Type VIIC (Dermatosparaxis) phenotype (0.0029), strongly suggesting that the variant is benign. Three clinical diagnostic laboratories have submitted clinical-significance assessments for this variant to ClinVar after 2014 without evidence for independent evaluation (2x VUS, 1x Benign). Based on the evidence outlined above, the variant was classified as benign.

Natera, Inc.
Classification: Likely benign for Ehlers-Danlos syndrome type VIIC. Last evaluated: 2020-04-20. Review status: no assertion criteria provided. Collection method: clinical testing. Allele origin: germline. Not counted in ClinVar's aggregate classification.